The following is an entry in ClinVar:

ClinVar aggregate classification (germline): Benign (0 of 4 stars; one submission).

Conditions:
MEF2A-related disorder. Also called: MEF2A-related condition.

Allele frequency attached by ClinVar (database versions not stated): 1000 Genomes Project 0.01098; 1000 Genomes Project 30x 0.01171; ExAC 0.01625; TOPMed 0.02044; gnomAD 0.02103; ESP Exome Variant Server 0.02216.
gnomAD v4.1: 43,886 of 1,544,880 alleles (2.8%); highest among the groups gnomAD compares: Non-Finnish European, 3.4%; 732 homozygotes.

Submission:

PreventionGenetics, part of Exact Sciences
Classification: Benign for MEF2A-related condition. Last evaluated: 2019-02-25. Review status: no assertion criteria provided. Collection method: clinical testing. Allele origin: germline.
Comment: This variant is classified as benign based on ACMG/AMP sequence variant interpretation guidelines (Richards et al. 2015 PMID: 25741868, with internal and published modifications).

NM_001319206.4(MEF2A):c.1245G>A (p.Ser415=)

Gene: MEF2A (myocyte enhancer factor 2A; plus strand). Cytogenetic location: 15q26.3.
Variant type: single nucleotide variant.
Coding change: c.1245G>A on transcript NM_001319206.4 (MANE Select); coding-DNA position 1245, G replaced by A.
Protein change: p.Ser415=; no amino-acid change (serine 415 retained).
Molecular consequence: synonymous variant.
Genome position (GRCh38, 1-based): chr15:99,712,498, G>A. VCF-style: chr15-99712498-G-A. GRCh37 (hg19) VCF-style: chr15-100252703-G-A.
Other names: c.1221G>A, p.Ser407= (NM_001130926.5, NM_001171894.5, NM_001352614.4 and 15 more transcripts); c.1041G>A, p.Ser347= (NM_001130927.5, NM_001365209.3); c.1017G>A, p.Ser339= (NM_001130928.4, NM_001393559.2); c.1245G>A, p.Ser415= (NM_001352616.4, NM_001365205.3, NM_001400031.1 and 5 more transcripts); c.1227G>A, p.Ser409= (NM_001352617.4, NM_001365207.3, NM_001400038.1 and 8 more transcripts); c.1239G>A, p.Ser413= (NM_001352618.4, NM_001365206.3, NM_001400037.1); c.1263G>A, p.Ser421= (NM_001365201.3, NM_001365202.3); c.1251G>A, p.Ser417= (NM_001365203.3, NM_001365204.3, NM_001400029.1 and 1 more transcripts); and 6 more.
Identifiers: ClinVar variation 3056101 (VCV003056101.2), dbSNP rs3730059, ClinGen allele CA7755652.